The following is an entry in ClinVar:

NM_194255.4(SLC19A1):c.301C>T (p.Leu101Phe)

Gene: SLC19A1 (solute carrier family 19 member 1; minus strand). Cytogenetic location: 21q22.3.
Variant type: single nucleotide variant.
Coding change: c.301C>T on transcript NM_194255.4 (MANE Select); coding-DNA position 301, C replaced by T.
Protein change: p.Leu101Phe; replaces leucine 101 with phenylalanine.
Molecular consequence: missense variant. On other transcripts: 5 prime UTR variant (1).
Genome position (GRCh38, 1-based): chr21:45,532,037, G>A on the plus strand (C>T on the coding strand, the complement: SLC19A1 is on the minus strand). VCF-style: chr21-45532037-G-A. GRCh37 (hg19) VCF-style: chr21-46951951-G-A.
Other names: c.301C>T (NM_194255.2); c.301C>T, p.Leu101Phe (NM_001205206.4, NM_001352511.3, NM_001352512.2); c.181C>T, p.Leu61Phe (NM_001205207.3); c.-54C>T (NM_001352510.2); short protein forms L101F, L61F.
Identifiers: ClinVar variation 2888822 (VCV002888822.4), dbSNP rs143378338, ClinGen allele CA321942245.

ClinVar aggregate classification (germline): Uncertain significance. Review status: criteria provided, multiple submitters, no conflicts (2 of 4 stars). 2 submissions from 2 submitters: Uncertain significance (2). Last evaluated 2025-11-08.

Allele frequency attached by ClinVar (database versions not stated): gnomAD exomes 0.00002; TOPMed 0.00002; ESP Exome Variant Server 0.00008.
gnomAD v4.1: 33 of 1,612,138 alleles (0.002%); highest among the groups gnomAD compares: Non-Finnish European, 0.0025%; no homozygotes.

Submissions (2):

Ambry Genetics
Classification: Uncertain significance. Last evaluated: 2025-11-08. Review status: criteria provided, single submitter. Criteria: Ambry Variant Classification Scheme 2023. Collection method: clinical testing. Allele origin: germline.

Labcorp Genetics (formerly Invitae), Labcorp
Classification: Uncertain significance. Last evaluated: 2023-11-27. Review status: criteria provided, single submitter. Criteria: Invitae Variant Classification Sherloc (09022015). Collection method: clinical testing. Allele origin: germline.
Comment: This sequence change replaces leucine, which is neutral and non-polar, with phenylalanine, which is neutral and non-polar, at codon 101 of the SLC19A1 protein (p.Leu101Phe). This variant is present in population databases (rs143378338, gnomAD 0.002%). This variant has not been reported in the literature in individuals affected with SLC19A1-related conditions. An algorithm developed to predict the effect of missense changes on protein structure and function (PolyPhen-2) suggests that this variant is likely to be disruptive. In summary, the available evidence is currently insufficient to determine the role of this variant in disease. Therefore, it has been classified as a Variant of Uncertain Significance.